The following is an entry in ClinVar:

NM_182961.4(SYNE1):c.6723+5A>C

Gene: SYNE1 (spectrin repeat containing nuclear envelope protein 1; minus strand). Cytogenetic location: 6q25.2.
Variant type: single nucleotide variant.
Coding change: c.6723+5A>C on transcript NM_182961.4 (MANE Select); 5 bases into the intron after coding-DNA position 6723, A replaced by C.
Molecular consequence: intron variant.
Genome position (GRCh38, 1-based): chr6:152,407,009, T>G on the plus strand (A>C on the coding strand, the complement: SYNE1 is on the minus strand). VCF-style: chr6-152407009-T-G. GRCh37 (hg19) VCF-style: chr6-152728144-T-G.
Other names: c.6744+5A>C (NM_033071.5).
Identifiers: ClinVar variation 1348322 (VCV001348322.5), dbSNP rs755302313, ClinGen allele CA4058013.
Genomic context (GRCh38, chr6:152,407,009, plus strand): 5'-TTTTTTTTTCATATTCTGGTCAACAATATGCCACCAGCTGCCATATGTCAACACAGTCAA[T>G]TTACCTCAAATTCTTTAAGCAGTTCTTCAGCTCTGAGGTGGTTATCCAGGTTGCTGATGT-3'

ClinVar aggregate classification (germline): Uncertain significance (1 of 4 stars; one submission).

Conditions:
Autosomal recessive ataxia, Beauce type. Also called: SYNE1-Related Autosomal Recessive Cerebellar Ataxia; SYNE1 Deficiency; Spinocerebellar ataxia, autosomal recessive 8; ATAXIA, RECESSIVE, OF BEAUCE. Identifiers: Orphanet 88644, MedGen C1853116, MONDO:0012549, OMIM 610743.
Emery-Dreifuss muscular dystrophy 4, autosomal dominant (EDMD4). Also called: EMERY-DREIFUSS MUSCULAR DYSTROPHY 4 WITH VARIABLE FEATURES. Identifiers: Orphanet 261, MedGen C2751807, MONDO:0013071, OMIM 612998.

Allele frequency attached by ClinVar (database versions not stated): TOPMed below 0.00001; gnomAD exomes 0.00001; ExAC 0.00002.
gnomAD v4.1: 10 of 1,613,568 alleles (0.00062%); highest among the groups gnomAD compares: Middle Eastern, 0.017%; no homozygotes.

Submission:

Labcorp Genetics (formerly Invitae), Labcorp
Classification: Uncertain significance for Emery-Dreifuss muscular dystrophy 4, autosomal dominant; Autosomal recessive ataxia, Beauce type. Last evaluated: 2022-11-15. Review status: criteria provided, single submitter. Criteria: Invitae Variant Classification Sherloc (09022015). Collection method: clinical testing. Allele origin: germline.
Comment: In summary, the available evidence is currently insufficient to determine the role of this variant in disease. Therefore, it has been classified as a Variant of Uncertain Significance. Variants that disrupt the consensus splice site are a relatively common cause of aberrant splicing (PMID: 17576681, 9536098). Algorithms developed to predict the effect of sequence changes on RNA splicing suggest that this variant is not likely to affect RNA splicing. ClinVar contains an entry for this variant (Variation ID: 1348322). This variant has not been reported in the literature in individuals affected with SYNE1-related conditions. This variant is present in population databases (rs755302313, gnomAD 0.003%). This sequence change falls in intron 45 of the SYNE1 gene. It does not directly change the encoded amino acid sequence of the SYNE1 protein. It affects a nucleotide within the consensus splice site.

Literature cited by the submitters: PubMed 17576681; PubMed 9536098.